The following is an entry in ClinVar:

NM_173660.5(DOK7):c.94G>C (p.Val32Leu)

Gene: DOK7 (docking protein 7; plus strand). Cytogenetic location: 4p16.3.
Variant type: single nucleotide variant.
Coding change: c.94G>C on transcript NM_173660.5 (MANE Select); coding-DNA position 94, G replaced by C.
Protein change: p.Val32Leu; replaces valine 32 with leucine.
Molecular consequence: missense variant.
Genome position (GRCh38, 1-based): chr4:3,463,545, G>C. VCF-style: chr4-3463545-G-C. GRCh37 (hg19) VCF-style: chr4-3465272-G-C.
Other names: c.94G>C, p.Val32Leu (NM_001164673.2, NM_001301071.2, NM_001363811.2); short protein forms V32L.
Identifiers: ClinVar variation 1713497 (VCV001713497.6), dbSNP rs1417673287, ClinGen allele CA356112159.

ClinVar aggregate classification (germline): Uncertain significance (1 of 4 stars; one submission).

Conditions:
Fetal akinesia deformation sequence 1 (FADS1). Also called: Pena-Shokeir syndrome type I; Fetal akinesia sequence. Identifiers: Orphanet 994, MedGen C1276035, MONDO:0100101, OMIM 208150, HP:0001989.
Congenital myasthenic syndrome 10. Also called: Myasthenia, limb-girdle, familial. Identifiers: Orphanet 590, MedGen C1850792, MONDO:0009690, OMIM 254300.

Submission:

Labcorp Genetics (formerly Invitae), Labcorp
Classification: Uncertain significance for Congenital myasthenic syndrome 10; Fetal akinesia deformation sequence 1. Last evaluated: 2022-09-27. Review status: criteria provided, single submitter. Criteria: Invitae Variant Classification Sherloc (09022015). Collection method: clinical testing. Allele origin: germline.
Comment: In summary, the available evidence is currently insufficient to determine the role of this variant in disease. Therefore, it has been classified as a Variant of Uncertain Significance. Advanced modeling of protein sequence and biophysical properties (such as structural, functional, and spatial information, amino acid conservation, physicochemical variation, residue mobility, and thermodynamic stability) performed at Invitae indicates that this missense variant is expected to disrupt DOK7 protein function. This variant has not been reported in the literature in individuals affected with DOK7-related conditions. This variant is not present in population databases (gnomAD no frequency). This sequence change replaces valine, which is neutral and non-polar, with leucine, which is neutral and non-polar, at codon 32 of the DOK7 protein (p.Val32Leu).